The following is an entry in ClinVar:

NM_213655.5(WNK1):c.2295C>T (p.Ala765=)

Gene: WNK1 (WNK lysine deficient protein kinase 1; plus strand). Cytogenetic location: 12p13.33.
Variant type: single nucleotide variant.
Coding change: c.2295C>T on transcript NM_213655.5 (MANE Plus Clinical); coding-DNA position 2295, C replaced by T.
Protein change: p.Ala765=; no amino-acid change (alanine 765 retained).
Molecular consequence: synonymous variant. On other transcripts: intron variant (3).
Genome position (GRCh38, 1-based): chr12:865,265, C>T. VCF-style: chr12-865265-C-T. GRCh37 (hg19) VCF-style: chr12-974431-C-T.
Other names: c.2140-2601C>T (NM_001184985.2); c.2139+2995C>T (NM_018979.4, NM_014823.3); c.2295C>T (NM_213655.4).
Identifiers: ClinVar variation 1144717 (VCV001144717.11), dbSNP rs780839970, ClinGen allele CA6382140.

ClinVar aggregate classification (germline): Likely benign. Review status: criteria provided, multiple submitters, no conflicts (2 of 4 stars). 3 submissions from 3 submitters: Likely benign (3). Last evaluated 2025-12-16.

Conditions:
WNK1-related disorder. Also called: WNK1-related condition.
Neuropathy, hereditary sensory and autonomic, type 2A (HSAN2A). Also called: ACROOSTEOLYSIS, GIACCAI TYPE; ACROOSTEOLYSIS, NEUROGENIC; MORVAN DISEASE; NEUROPATHY, CONGENITAL SENSORY; NEUROPATHY, HEREDITARY SENSORY RADICULAR, AUTOSOMAL RECESSIVE; NEUROPATHY, HEREDITARY SENSORY, TYPE IIA. Identifiers: Orphanet 970, MedGen C2752089, MONDO:0024309, OMIM 201300.
Pseudohypoaldosteronism type 2C (PHA2C). Also called: Pseudohypoaldosteronism Type IIC. Identifiers: Orphanet 757, Orphanet 88940, MedGen C1840391, MONDO:0013778, OMIM 614492.

Allele frequency attached by ClinVar (database versions not stated): gnomAD exomes 0.00006; gnomAD 0.00015 and 0.00018; ExAC 0.00016.
gnomAD v4.1: 105 of 1,535,962 alleles (0.0068%); highest among the groups gnomAD compares: Middle Eastern, 0.05%; 1 homozygote.

Submissions (3):

Labcorp Genetics (formerly Invitae), Labcorp
Classification: Likely benign for Neuropathy, hereditary sensory and autonomic, type 2A; Pseudohypoaldosteronism type 2C. Last evaluated: 2025-12-16. Review status: criteria provided, single submitter. Criteria: Invitae Variant Classification Sherloc (09022015). Collection method: clinical testing. Allele origin: germline.

PreventionGenetics, part of Exact Sciences
Classification: Likely benign for WNK1-related condition. Last evaluated: 2025-07-06. Review status: criteria provided, single submitter. Criteria: ACMG Guidelines, 2015. Collection method: clinical testing. Allele origin: germline.
Comment: This variant is classified as likely benign based on ACMG/AMP sequence variant interpretation guidelines (Richards et al. 2015 PMID: 25741868, with internal and published modifications).

Breakthrough Genomics
Classification: Likely benign. Review status: criteria provided, single submitter. Criteria: ACMG Guidelines, 2015. Collection method: not provided. Allele origin: germline. Inheritance: Autosomal recessive inheritance. Affected: yes.